The following is an entry in ClinVar:

ClinVar aggregate classification (germline): Uncertain significance (1 of 4 stars; one submission).

gnomAD v4.1: 2 of 1,613,220 alleles (0.00012%); highest among the groups gnomAD compares: African/African-American, 0.0027%; no homozygotes.

Submission:

Women's Health and Genetics/Laboratory Corporation of America, LabCorp
Classification: Uncertain significance. Last evaluated: 2026-04-09. Review status: criteria provided, single submitter. Criteria: LabCorp Variant Classification Summary - May 2015. Collection method: clinical testing. Allele origin: germline.
Comment: Variant summary: AHDC1 c.3400T>C (p.Cys1134Arg) results in a non-conservative amino acid change in the encoded protein sequence. Algorithms developed to predict the effect of missense changes on protein structure and function are either unavailable or do not agree on the potential impact of this missense change. The variant allele was found at a frequency of 1.2e-06 in 1613220 control chromosomes. The available data on variant occurrences in the general population are insufficient to allow any conclusion about variant significance. To our knowledge, no occurrence of c.3400T>C in individuals affected with AHDC1-related conditions and no experimental evidence demonstrating its impact on protein function have been reported. No submitters have cited clinical-significance assessments for this variant to ClinVar. Based on the evidence outlined above, the variant was classified as uncertain significance.

NM_001371928.1(AHDC1):c.3400T>C (p.Cys1134Arg)

Gene: AHDC1 (AT-hook DNA binding motif containing 1; minus strand). Cytogenetic location: 1p36.11.
Variant type: single nucleotide variant.
Coding change: c.3400T>C on transcript NM_001371928.1 (MANE Select); coding-DNA position 3400, T replaced by C.
Protein change: p.Cys1134Arg; replaces cysteine 1134 with arginine.
Molecular consequence: missense variant.
Genome position (GRCh38, 1-based): chr1:27,548,716, A>G on the plus strand (T>C on the coding strand, the complement: AHDC1 is on the minus strand). VCF-style: chr1-27548716-A-G. GRCh37 (hg19) VCF-style: chr1-27875227-A-G.
Other names: c.3400T>C, p.Cys1134Arg (NM_001029882.3); short protein forms C1134R.
Identifiers: ClinVar variation 4848725 (VCV004848725.1).